The following is an entry in ClinVar:

ClinVar aggregate classification (germline): Likely pathogenic (1 of 4 stars; one submission).

Conditions:
Neurofibromatosis, type 1 (NF1). Also called: Peripheral type neurofibromatosis; NEUROFIBROMATOSIS, TYPE I, SOMATIC; VON RECKLINGHAUSEN DISEASE; Neurofibromatosis, type I. Identifiers: Orphanet 636, MedGen C0027831, MONDO:0018975, OMIM 162200. Disease mechanism: loss of function.

Submission:

Labcorp Genetics (formerly Invitae), Labcorp
Classification: Likely pathogenic for Neurofibromatosis, type 1. Last evaluated: 2025-08-22. Review status: criteria provided, single submitter. Criteria: Invitae Variant Classification Sherloc (09022015). Collection method: clinical testing. Allele origin: germline.
Comment: This sequence change replaces asparagine, which is neutral and polar, with histidine, which is basic and polar, at codon 1430 of the NF1 protein (p.Asn1430His). This variant is not present in population databases (gnomAD no frequency). This variant has not been reported in the literature in individuals affected with NF1-related conditions. ClinVar contains an entry for this variant (Variation ID: 3623909). Invitae Evidence Modeling of protein sequence and biophysical properties (such as structural, functional, and spatial information, amino acid conservation, physicochemical variation, residue mobility, and thermodynamic stability) indicates that this missense variant is expected to disrupt NF1 protein function with a positive predictive value of 95%. Experimental studies have shown that this missense change affects NF1 function (PMID: 8628317). This variant disrupts the p.Asn1430 amino acid residue in NF1. Other variant(s) that disrupt this residue have been determined to be pathogenic (PMID: 12787671, 21567923, 23913538, 27322474). This suggests that this residue is clinically significant, and that variants that disrupt this residue are likely to be disease-causing. In summary, the currently available evidence indicates that the variant is pathogenic, but additional data are needed to prove that conclusively. Therefore, this variant has been classified as Likely Pathogenic.

Literature cited by the submitters: PubMed 8628317; PubMed 12787671; PubMed 21567923; PubMed 23913538; PubMed 27322474.

NM_001042492.3(NF1):c.4351A>C (p.Asn1451His)

Gene: NF1 (neurofibromin 1; plus strand). Cytogenetic location: 17q11.2.
Variant type: single nucleotide variant.
Coding change: c.4351A>C on transcript NM_001042492.3 (MANE Select); coding-DNA position 4351, A replaced by C.
Protein change: p.Asn1451His; replaces asparagine 1451 with histidine.
Molecular consequence: missense variant.
Genome position (GRCh38, 1-based): chr17:31,259,050, A>C. VCF-style: chr17-31259050-A-C. GRCh37 (hg19) VCF-style: chr17-29586068-A-C.
Other names: c.4288A>C, p.Asn1430His (NM_000267.4); short protein forms N1430H, N1451H.
Identifiers: ClinVar variation 3623909 (VCV003623909.2).
Genomic context (GRCh38, chr17:31,259,050, plus strand): 5'-AATAAATAATCTGATTATTTATAACCCTGTTTTATTGTGTAGATACTTCAGAGTATTGCC[A>C]ATCATGTTCTCTTCACAAAAGAAGAACATATGCGGCCTTTCAATGATTTTGTGAAAAGCA-3'
Protein context (NP_001035957.1, residues 1441-1461): LMSKILQSIA[Asn1451His]HVLFTKEEHM